The following is an entry in ClinVar:

ClinVar aggregate classification (germline): Benign/Likely benign. Review status: criteria provided, multiple submitters, no conflicts (2 of 4 stars). 9 submissions from 9 submitters: Benign (4); Likely benign (4). 1 of the submissions does not count toward it. Last evaluated 2026-03-01.

Conditions:
KBG syndrome (KBGS). Also called: ANKRD11-Related KBG Syndrome. Identifiers: Orphanet 2332, MedGen C0220687, MONDO:0007846, OMIM 148050.
ANKRD11-related disorder. Also called: ANKRD11-related condition.
Inborn genetic diseases. Identifiers: MedGen C0950123, MeSH D030342.

Allele frequency attached by ClinVar (database versions not stated): 1000 Genomes Project 0.00100; 1000 Genomes Project 30x 0.00125; gnomAD 0.00220; TOPMed 0.00266.
gnomAD v4.1: 698 of 1,532,582 alleles (0.046%); highest among the groups gnomAD compares: African/African-American, 0.81%; 2 homozygotes.

Submissions (9):

CeGaT Center for Human Genetics Tuebingen
Classification: Likely benign. Last evaluated: 2026-03-01. Review status: criteria provided, single submitter. Criteria: CeGaT Center For Human Genetics Tuebingen Variant Classification Criteria Version 2. Collection method: clinical testing. Allele origin: germline. Affected: yes. Observed: 2 variant alleles.
Comment: ANKRD11: BS1

Labcorp Genetics (formerly Invitae), Labcorp
Classification: Benign for KBG syndrome. Last evaluated: 2025-12-28. Review status: criteria provided, single submitter. Criteria: Invitae Variant Classification Sherloc (09022015). Collection method: clinical testing. Allele origin: germline.

ARUP Laboratories, Molecular Genetics and Genomics, ARUP Laboratories
Classification: Likely benign for KBG syndrome. Last evaluated: 2025-02-12. Review status: criteria provided, single submitter. Criteria: ARUP Molecular Germline Variant Investigation Process 2024. Collection method: clinical testing. Allele origin: germline.

Blueprint Genetics
Classification: Likely benign. Last evaluated: 2024-10-09. Review status: criteria provided, single submitter. Criteria: ACMG Guidelines, 2015. Collection method: clinical testing. Allele origin: germline.

Ambry Genetics
Classification: Likely benign for Inborn genetic diseases. Last evaluated: 2024-04-11. Review status: criteria provided, single submitter. Criteria: Ambry Variant Classification Scheme 2023. Collection method: clinical testing. Allele origin: germline.

Genome-Nilou Lab
Classification: Benign for KBG syndrome. Last evaluated: 2021-12-05. Review status: criteria provided, single submitter. Criteria: ACMG Guidelines, 2015. Collection method: clinical testing. Allele origin: germline. Affected: no.

GeneDx
Classification: Benign. Last evaluated: 2020-04-14. Review status: criteria provided, single submitter. Criteria: GeneDx Variant Classification Process June 2021. Collection method: clinical testing. Allele origin: germline. Affected: yes.

Athena Diagnostics
Classification: Benign. Last evaluated: 2018-12-17. Review status: criteria provided, single submitter. Criteria: Athena Diagnostics Criteria. Collection method: clinical testing. Allele origin: germline.

PreventionGenetics, part of Exact Sciences
Classification: Benign for ANKRD11-related condition. Last evaluated: 2024-02-21. Review status: no assertion criteria provided. Collection method: clinical testing. Allele origin: germline. Not counted in ClinVar's aggregate classification.
Comment: This variant is classified as benign based on ACMG/AMP sequence variant interpretation guidelines (Richards et al. 2015 PMID: 25741868, with internal and published modifications).

NM_013275.6(ANKRD11):c.6826C>T (p.Pro2276Ser)

Gene: ANKRD11 (ankyrin repeat domain 11; minus strand). Cytogenetic location: 16q24.3.
Variant type: single nucleotide variant.
Coding change: c.6826C>T on transcript NM_013275.6 (MANE Select); coding-DNA position 6826, C replaced by T.
Protein change: p.Pro2276Ser; replaces proline 2276 with serine.
Molecular consequence: missense variant.
Genome position (GRCh38, 1-based): chr16:89,279,716, G>A on the plus strand (C>T on the coding strand, the complement: ANKRD11 is on the minus strand). VCF-style: chr16-89279716-G-A. GRCh37 (hg19) VCF-style: chr16-89346124-G-A.
Other names: c.6826C>T, p.Pro2276Ser (NM_001256182.2, NM_001256183.2); short protein forms P2276S.
Identifiers: ClinVar variation 589093 (VCV000589093.28), dbSNP rs201957371, ClinGen allele CA8241324.